The following is an entry in ClinVar:

ClinVar aggregate classification (germline): Uncertain significance (1 of 4 stars; one submission).

Conditions:
Osteogenesis imperfecta with normal sclerae, dominant form (OI4). Also called: OSTEOGENESIS IMPERFECTA WITH NORMAL SCLERAE; Osteogenesis imperfecta type 4; OSTEOGENESIS IMPERFECTA, TYPE IV, WITH DENTINOGENESIS IMPERFECTA; Osteogenesis Imperfecta Type IV; Common Variable Osteogenesis Imperfecta with Normal Sclerae. Identifiers: Orphanet 216820, Orphanet 666, MedGen C0268363, MONDO:0008148, OMIM 166220.
Infantile cortical hyperostosis. Also called: Hyperostosis, Cortical, Congenital; Caffey Disease; P1PK BLOOD GROUP SYSTEM, P(2) PHENOTYPE. Identifiers: Orphanet 1310, MedGen C0020497, MONDO:0007244, OMIM 114000.
Ehlers-Danlos syndrome, arthrochalasia type. Also called: Ehlers-Danlos syndrome, arthrochalasia type, 1; ARTHROCHALASIS MULTIPLEX CONGENITA; EDS VII, MUTANT PROCOLLAGEN TYPE; EDS VIIA; Ehlers-Danlos syndrome, arthrochalasis type. Identifiers: Orphanet 1899, Orphanet 99875, Orphanet 99876, MedGen C4551623, MONDO:0007525, OMIM 130060.
Osteogenesis imperfecta type I (OI1). Also called: OI, TYPE I; OSTEOGENESIS IMPERFECTA TARDA; OSTEOGENESIS IMPERFECTA WITH BLUE SCLERAE; Osteogenesis imperfecta type 1; Lobstein disease; Lobstein's Disease. Identifiers: Orphanet 216796, Orphanet 666, MedGen C0023931, MONDO:0008146, OMIM 166200. Disease mechanism: loss of function.
Osteogenesis imperfecta, perinatal lethal (OI2). Also called: OI, TYPE II; OSTEOGENESIS IMPERFECTA CONGENITA; VROLIK TYPE OF OSTEOGENESIS IMPERFECTA; Osteogenesis imperfecta, dominant perinatal lethal; OSTEOGENESIS IMPERFECTA, TYPE II; Osteogenesis imperfecta type 2. Identifiers: Orphanet 216804, MedGen C0268358, MONDO:0008147, OMIM 166210.
Osteogenesis imperfecta type III (OI3). Also called: Osteogenesis imperfecta type 3; OI type 3; Osteogenesis imperfecta, progressively deforming with normal sclerae; OI type III; Progressively Deforming Osteogenesis Imperfecta. Identifiers: Orphanet 216812, Orphanet 666, MedGen C0268362, MONDO:0009804, OMIM 259420.
Combined osteogenesis imperfecta and Ehlers-Danlos syndrome 1. Also called: OIEDS SYNDROME 1. Identifiers: MedGen C5436842, MONDO:0030854, OMIM 619115.
Osteoporosis. Identifiers: MedGen C0029456, MONDO:0005298, OMIM 166710, HP:0000939.

Submission:

Juno Genomics, Hangzhou Juno Genomics, Inc
Classification: Uncertain significance for Osteoporosis; Infantile cortical hyperostosis; Combined osteogenesis imperfecta and Ehlers-Danlos syndrome 1; Ehlers-Danlos syndrome, arthrochalasia type; Osteogenesis imperfecta type I; Osteogenesis imperfecta, perinatal lethal; Osteogenesis imperfecta type III; Osteogenesis imperfecta with normal sclerae, dominant form. Review status: criteria provided, single submitter. Criteria: ACMG Guidelines, 2015. Collection method: clinical testing. Allele origin: germline.
Comment: Absent from controls (or at extremely low frequency if recessive) in Genome Aggregation Database.;Multiple lines of computational evidence support a deleterious effect on the gene or gene product.;Missense variant in a gene that has a low rate of benign missense variation.

NM_000088.4(COL1A1):c.2671A>C (p.Asn891His)

Gene: COL1A1 (collagen type I alpha 1 chain; minus strand). Cytogenetic location: 17q21.33.
Variant type: single nucleotide variant.
Coding change: c.2671A>C on transcript NM_000088.4 (MANE Select); coding-DNA position 2671, A replaced by C.
Protein change: p.Asn891His; replaces asparagine 891 with histidine.
Molecular consequence: missense variant.
Genome position (GRCh38, 1-based): chr17:50,189,535, T>G on the plus strand (A>C on the coding strand, the complement: COL1A1 is on the minus strand). VCF-style: chr17-50189535-T-G. GRCh37 (hg19) VCF-style: chr17-48266896-T-G.
Other names: short protein forms N891H.
Identifiers: ClinVar variation 5019720 (VCV005019720.2).